The following is an entry in ClinVar:

ClinVar aggregate classification (germline): Uncertain significance (1 of 4 stars; one submission).

Conditions:
Kaya-Barakat-Masson syndrome. Also called: YIF1B-Related Neurodevelopmental Disorder. Identifiers: Orphanet 684240, MedGen C5436856, MONDO:0030878, OMIM 619125.

gnomAD v4.1: 1 of 1,563,728 alleles (0.000064%); highest among the groups gnomAD compares: South Asian, 0.0012%; no homozygotes.

Submission:

Neuberg Centre For Genomic Medicine, NCGM
Classification: Uncertain significance for Kaya-Barakat-Masson syndrome. Last evaluated: 2023-06-22. Review status: criteria provided, single submitter. Criteria: ACMG Guidelines, 2015. Collection method: clinical testing. Allele origin: germline. Inheritance: Autosomal recessive inheritance. Affected: yes.
Comment: The observed missense variant c.437T>C(p.Val146Ala) in YIF1B gene has not been reported previously as a pathogenic variant nor as a benign variant, to our knowledge. This variant is reported with the allele frequency of 0% in the gnomAD exomes. This variant has not been reported to the ClinVar database. The amino acid Val at position 146 is changed to a Ala changing protein sequence and it might alter its composition and physico-chemical properties. The amino acid change p.Val146Ala in YIF1B is predicted as conserved by GERP++ and PhyloP across 100 vertebrates. Multiple lines of computational evidence (Polyphen - Damaging, SIFT -Damaging, and MutationTaster - Disease causing) predict a damaging effect on protein structure and function for this variant. For these reasons, this variant has been classified as Uncertain Significance.

NM_001039672.3(YIF1B):c.437T>C (p.Val146Ala)

Gene: YIF1B (Yip1 interacting factor homolog B, membrane trafficking protein; minus strand). Cytogenetic location: 19q13.2.
Variant type: single nucleotide variant.
Coding change: c.437T>C on transcript NM_001039672.3 (MANE Select); coding-DNA position 437, T replaced by C.
Protein change: p.Val146Ala; replaces valine 146 with alanine.
Molecular consequence: missense variant.
Genome position (GRCh38, 1-based): chr19:38,309,023, A>G on the plus strand (T>C on the coding strand, the complement: YIF1B is on the minus strand). VCF-style: chr19-38309023-A-G. GRCh37 (hg19) VCF-style: chr19-38799663-A-G.
Other names: c.392T>C, p.Val131Ala (NM_001039671.3); c.428T>C, p.Val143Ala (NM_001039673.3, NM_001145463.2); c.386T>C, p.Val129Ala (NM_001145461.2); c.344T>C, p.Val115Ala (NM_001145462.2); short protein forms V115A, V129A, V131A, V143A, V146A.
Identifiers: ClinVar variation 3731505 (VCV003731505.1).